The following is an entry in ClinVar:

NM_002230.4(JUP):c.2098A>G (p.Thr700Ala)

Gene: JUP (junction plakoglobin; minus strand). Cytogenetic location: 17q21.2.
Variant type: single nucleotide variant.
Coding change: c.2098A>G on transcript NM_002230.4 (MANE Select); coding-DNA position 2098, A replaced by G.
Protein change: p.Thr700Ala; replaces threonine 700 with alanine.
Molecular consequence: missense variant.
Genome position (GRCh38, 1-based): chr17:41,755,884, T>C on the plus strand (A>G on the coding strand, the complement: JUP is on the minus strand). VCF-style: chr17-41755884-T-C. GRCh37 (hg19) VCF-style: chr17-39912136-T-C.
Other names: c.2098A>G, p.Thr700Ala (NM_001352773.2, NM_001352774.2, NM_001352775.2 and 3 more transcripts); short protein forms T700A.
Identifiers: ClinVar variation 432382 (VCV000432382.3), dbSNP rs1555597540, ClinGen allele CA399490773.
Genomic context (GRCh38, chr17:41,755,884, plus strand): 5'-TGTCCATGTGCATCTCCAGCGGGTCAAGGGGCACATCGCTGGAGTACATGGGGCGGTAGG[T>C]GGCATCCATGTCTGGGGACAAAAAGTGGGGCTCGGTCCTAGGGTCTGCAAGCTACCCTGC-3'
Protein context (NP_002221.1, residues 690-710): NEPYGDDMDA[Thr700Ala]YRPMYSSDVP

ClinVar aggregate classification (germline): Uncertain significance. Review status: criteria provided, multiple submitters, no conflicts (2 of 4 stars). 2 submissions from 2 submitters: Uncertain significance (2). Last evaluated 2025-09-21.

Conditions:
Cardiovascular phenotype. Identifiers: MedGen CN230736.

Allele frequency attached by ClinVar (database versions not stated): gnomAD exomes below 0.00001.

Submissions (2):

Ambry Genetics
Classification: Uncertain significance for Cardiovascular phenotype. Last evaluated: 2025-09-21. Review status: criteria provided, single submitter. Criteria: Ambry Variant Classification Scheme 2023. Collection method: clinical testing. Allele origin: germline.
Comment: The p.T700A variant (also known as c.2098A>G), located in coding exon 13 of the JUP gene, results from an A to G substitution at nucleotide position 2098. The threonine at codon 700 is replaced by alanine, an amino acid with similar properties. This amino acid position is conserved. In addition, this alteration is predicted to be tolerated by in silico analysis. Based on the available evidence, the clinical significance of this variant remains unclear.

GeneDx
Classification: Uncertain significance. Last evaluated: 2017-06-06. Review status: criteria provided, single submitter. Criteria: GeneDx Variant Classification (06012015). Collection method: clinical testing. Allele origin: germline. Affected: yes.
Comment: A variant of uncertain significance has been identified in the JUP gene. The T700A variant has not been published as pathogenic or been reported as benign to our knowledge. This variant is not observed in large population cohorts (Lek et al., 2016; 1000 Genomes Consortium et al., 2015; Exome Variant Server). The T700A variant is a non-conservative amino acid substitution, which is likely to impact secondary protein structure as these residues differ in polarity, charge, size and/or other properties. This substitution occurs at a position that is conserved in mammals. However, in silico analysis is inconsistent in its predictions as to whether or not the variant is damaging to the protein structure/function.